The following is an entry in ClinVar:

ClinVar aggregate classification (germline): Uncertain significance. Review status: criteria provided, multiple submitters, no conflicts (2 of 4 stars). 2 submissions from 2 submitters: Uncertain significance (2). Last evaluated 2025-12-14.

Conditions:
Cardiovascular phenotype. Identifiers: MedGen CN230736.
Hypertrophic cardiomyopathy. Also called: HYPERTROPHIC MYOCARDIOPATHY. Identifiers: Orphanet 217569, MedGen C0007194, MeSH D002312, MONDO:0005045, HP:0001639.

Allele frequency attached by ClinVar (database versions not stated): TOPMed below 0.00001.

Submissions (2):

Labcorp Genetics (formerly Invitae), Labcorp
Classification: Uncertain significance for Hypertrophic cardiomyopathy. Last evaluated: 2025-12-14. Review status: criteria provided, single submitter. Criteria: Invitae Variant Classification Sherloc (09022015). Collection method: clinical testing. Allele origin: germline.
Comment: This sequence change replaces isoleucine, which is neutral and non-polar, with asparagine, which is neutral and polar, at codon 803 of the MYBPC3 protein (p.Ile803Asn). This variant is not present in population databases (gnomAD no frequency). This variant has not been reported in the literature in individuals affected with MYBPC3-related conditions. ClinVar contains an entry for this variant (Variation ID: 1984551). An algorithm developed to predict the effect of missense changes on protein structure and function (PolyPhen-2) suggests that this variant is likely to be disruptive. In summary, the available evidence is currently insufficient to determine the role of this variant in disease. Therefore, it has been classified as a Variant of Uncertain Significance.

Ambry Genetics
Classification: Uncertain significance for Cardiovascular phenotype. Last evaluated: 2023-04-11. Review status: criteria provided, single submitter. Criteria: Ambry Variant Classification Scheme 2023. Collection method: clinical testing. Allele origin: germline.

NM_000256.3(MYBPC3):c.2408T>A (p.Ile803Asn)

Gene: MYBPC3 (myosin binding protein C3; minus strand). Cytogenetic location: 11p11.2.
Variant type: single nucleotide variant.
Coding change: c.2408T>A on transcript NM_000256.3 (MANE Select); coding-DNA position 2408, T replaced by A.
Protein change: p.Ile803Asn; replaces isoleucine 803 with asparagine.
Molecular consequence: missense variant.
Genome position (GRCh38, 1-based): chr11:47,337,695, A>T on the plus strand (T>A on the coding strand, the complement: MYBPC3 is on the minus strand). VCF-style: chr11-47337695-A-T. GRCh37 (hg19) VCF-style: chr11-47359246-A-T.
Other names: short protein forms I803N.
Identifiers: ClinVar variation 1984551 (VCV001984551.6), dbSNP rs1309073522, ClinGen allele CA380318594.
Genomic context (GRCh38, chr11:47,337,695, plus strand): 5'-TTCCCTCGGATCTGTTTGGCGCCCTCACACCTCCATCCGGTGCCCTTGCACTCACCCAGG[A>T]TGGGCTGCCCGCCATCGTAGGCAGGCGGCTCCCACTGTACTGTGCAGGAGTCCTCTCCCA-3'
Protein context (NP_000247.2, residues 793-813): EPPAYDGGQP[Ile803Asn]LGYILERKKK